The following is an entry in ClinVar:

ClinVar aggregate classification (germline): Likely benign (1 of 4 stars; one submission).

Conditions:
Familial adenomatous polyposis 1 (FAP1). Also called: POLYPOSIS, ADENOMATOUS INTESTINAL; FAMILIAL ADENOMATOUS POLYPOSIS 1, ATTENUATED. Identifiers: MedGen C2713442, MONDO:0021056, OMIM 175100. Disease mechanism: loss of function.

Submission:

Myriad Genetics, Inc.
Classification: Likely benign for Familial adenomatous polyposis 1. Last evaluated: 2024-02-23. Review status: criteria provided, single submitter. Criteria: Myriad Autosomal Dominant, Autosomal Recessive and X-Linked Classification Criteria (2023). Collection method: clinical testing. Allele origin: unknown.
Comment: This variant is considered likely benign. This variant is intronic and is not expected to impact mRNA splicing.

NM_000038.6(APC):c.423-16delinsTT

Gene: APC (APC regulator of Wnt signaling pathway; plus strand). Cytogenetic location: 5q22.2.
Variant type: Indel.
Coding change: c.423-16delinsTT on transcript NM_000038.6 (MANE Select); 16 bases into the intron before coding-DNA position 423, A replaced by TT.
Molecular consequence: intron variant.
Genome position (GRCh38, 1-based): chr5:112,775,613, A replaced by TT. VCF-style: chr5-112775613-A-TT. GRCh37 (hg19) VCF-style: chr5-112111310-A-TT.
Other names: c.-613-16delinsTT (NM_001407470.1, NM_001407472.1, NM_001354906.2 and 1 more transcripts); c.423-16delinsTT (NM_001407447.1, NM_001354895.2, NM_001407456.1 and 16 more transcripts); c.453-16delinsTT (NM_001407446.1, NM_001354897.2, NM_001354902.2 and 1 more transcripts); c.246-16delinsTT (NM_001407453.1, NM_001354900.2, NM_001354901.2 and 1 more transcripts); c.348-16delinsTT (NM_001407451.1, NM_001354898.2, NM_001354904.2).
Identifiers: ClinVar variation 3148791 (VCV003148791.1), dbSNP rs2532409442, ClinGen allele CA2825001329.